The following is an entry in ClinVar:

NM_032119.4(ADGRV1):c.16811G>A (p.Gly5604Asp)

Gene: ADGRV1 (adhesion G protein-coupled receptor V1; plus strand). Cytogenetic location: 5q14.3.
Variant type: single nucleotide variant.
Coding change: c.16811G>A on transcript NM_032119.4 (MANE Select); coding-DNA position 16811, G replaced by A.
Protein change: p.Gly5604Asp; replaces glycine 5604 with aspartic acid.
Molecular consequence: missense variant. On other transcripts: non-coding transcript variant (1).
Genome position (GRCh38, 1-based): chr5:90,840,777, G>A. VCF-style: chr5-90840777-G-A. GRCh37 (hg19) VCF-style: chr5-90136594-G-A.
Other names: short protein forms G5604D.
Identifiers: ClinVar variation 198677 (VCV000198677.9), dbSNP rs794727892, ClinGen allele CA247475.

ClinVar aggregate classification (germline): Uncertain significance. Review status: criteria provided, multiple submitters, no conflicts (2 of 4 stars). 2 submissions from 2 submitters: Uncertain significance (2). Last evaluated 2025-01-27.

Allele frequency attached by ClinVar (database versions not stated): gnomAD exomes below 0.00001; TOPMed 0.00002.
gnomAD v4.1: 2 of 1,613,942 alleles (0.00012%); highest among the groups gnomAD compares: Non-Finnish European, 0.00017%; no homozygotes.

Submissions (2):

Labcorp Genetics (formerly Invitae), Labcorp
Classification: Uncertain significance. Last evaluated: 2025-01-27. Review status: criteria provided, single submitter. Criteria: Invitae Variant Classification Sherloc (09022015). Collection method: clinical testing. Allele origin: germline.
Comment: This sequence change replaces glycine, which is neutral and non-polar, with aspartic acid, which is acidic and polar, at codon 5604 of the ADGRV1 protein (p.Gly5604Asp). This variant is not present in population databases (gnomAD no frequency). This variant has not been reported in the literature in individuals affected with ADGRV1-related conditions. ClinVar contains an entry for this variant (Variation ID: 198677). Invitae Evidence Modeling of protein sequence and biophysical properties (such as structural, functional, and spatial information, amino acid conservation, physicochemical variation, residue mobility, and thermodynamic stability) has been performed for this missense variant. However, the output from this modeling did not meet the statistical confidence thresholds required to predict the impact of this variant on ADGRV1 protein function. In summary, the available evidence is currently insufficient to determine the role of this variant in disease. Therefore, it has been classified as a Variant of Uncertain Significance.

Eurofins Ntd Llc (ga)
Classification: Uncertain significance. Last evaluated: 2015-02-16. Review status: criteria provided, single submitter. Criteria: EGL Classification Definitions 2015. Collection method: clinical testing. Allele origin: germline. Observed: 1 variant allele, 1 heterozygote.